The following is an entry in ClinVar:

ClinVar aggregate classification (germline): Uncertain significance. Review status: criteria provided, multiple submitters, no conflicts (2 of 4 stars). 7 submissions from 7 submitters: Uncertain significance (7). Last evaluated 2026-06-03.

Conditions:
PKP2-related disorder. Also called: PKP2-related condition.
Cardiovascular phenotype. Identifiers: MedGen CN230736.
Arrhythmogenic right ventricular cardiomyopathy (ARVD). Also called: Arrhythmogenic Right Ventricular Cardiomyopathy (ARVC); Arrhythmogenic right ventricular dysplasia; Cardiomyopathy, ARVC; Arrhythmogenic cardiomyopathy. Identifiers: Orphanet 247, MedGen C0349788, MeSH D019571, MONDO:0016587. Disease mechanism: loss of function. Inheritance: Various modes of inheritance.
Cardiomyopathy (CMYO). Also called: Cardiomyopathies. Identifiers: Orphanet 167848, MedGen C0878544, MONDO:0004994, HP:0001638. Inheritance: Various modes of inheritance.
Arrhythmogenic right ventricular dysplasia 9 (ARVD9). Also called: Arrhythmogenic Right Ventricular Dysplasia/Cardiomyopathy 9; ARRHYTHMOGENIC RIGHT VENTRICULAR DYSPLASIA, FAMILIAL, 9. Identifiers: MedGen C1836906, MONDO:0012180, OMIM 609040.

Allele frequency attached by ClinVar (database versions not stated): gnomAD 0.00003 and 0.00004; gnomAD exomes 0.00004; ExAC 0.00006; ESP Exome Variant Server 0.00008; TOPMed 0.00010.
gnomAD v4.1: 61 of 1,613,458 alleles (0.0038%); highest among the groups gnomAD compares: Admixed American, 0.012%; no homozygotes.

Submissions (7):

PreventionGenetics, part of Exact Sciences
Classification: Uncertain significance for PKP2-related condition. Last evaluated: 2026-06-03. Review status: criteria provided, single submitter. Criteria: ACMG Guidelines, 2015. Collection method: clinical testing. Allele origin: germline.
Comment: The PKP2 c.1669A>G variant is predicted to result in the amino acid substitution p.Asn557Asp. This variant has been reported in individuals with arrhythmogenic disorders (Supplemental Table, Marschall et al. 2019. PubMed ID: 31737537; Supplemental Tables, Dries et al. 2021. PubMed ID: 34120153; Vokač et al. 2024. PubMed ID: 38254962). This variant is reported in 0.0054% of alleles in individuals of European (Non-Finnish) descent in gnomAD. At this time, the clinical significance of this variant is uncertain due to the absence of conclusive functional and genetic evidence.

Labcorp Genetics (formerly Invitae), Labcorp
Classification: Uncertain significance for Arrhythmogenic right ventricular dysplasia 9. Last evaluated: 2026-01-14. Review status: criteria provided, single submitter. Criteria: Invitae Variant Classification Sherloc (09022015). Collection method: clinical testing. Allele origin: germline.
Comment: This sequence change replaces asparagine, which is neutral and polar, with aspartic acid, which is acidic and polar, at codon 557 of the PKP2 protein (p.Asn557Asp). This variant is present in population databases (rs200343561, gnomAD 0.006%). This missense change has been observed in individual(s) with autosomal recessive arrhythmogenic cardiomyopathy (PMID: 31737537, 36720007, 38254962). ClinVar contains an entry for this variant (Variation ID: 201988). An algorithm developed to predict the effect of missense changes on protein structure and function (PolyPhen-2) suggests that this variant is likely to be disruptive. In summary, the available evidence is currently insufficient to determine the role of this variant in disease. Therefore, it has been classified as a Variant of Uncertain Significance.

All of Us Research Program, National Institutes of Health
Classification: Uncertain significance for Arrhythmogenic right ventricular cardiomyopathy. Last evaluated: 2024-09-23. Review status: criteria provided, single submitter. Criteria: ACMG Guidelines, 2015. Collection method: clinical testing. Allele origin: germline. Inheritance: Autosomal dominant inheritance. Observed: 20 variant alleles, 20 heterozygotes.
Comment: This missense variant replaces asparagine with aspartic acid at codon 557 of the PKP2 protein. Computational prediction suggests that this variant may have deleterious impact on protein structure and function (internally defined REVEL score threshold >= 0.7, PMID: 27666373). To our knowledge, functional studies have not been reported for this variant. This variant has been reported in an individual affected with arrhythmogenic right ventricular cardiomyopathy (PMID: 36720007), in another individual suspected of non-ischemic cardiomyopathy after syncope or following the termination of sudden arrhythmic death (PMID: 38254962), and in an individual suspected of having long QT syndrome (PMID: 31737537). This variant has been identified in 10/282566 chromosomes in the general population by the Genome Aggregation Database (gnomAD). The available evidence is insufficient to determine the role of this variant in disease conclusively. Therefore, this variant is classified as a Variant of Uncertain Significance.

This study involves interpretation of variants in research participants for the purpose of population health screening. Participant phenotype was not available at the time of variant classification. Additional details can be found in publication PMID: 35346344, PMCID: PMC8962531

Blueprint Genetics
Classification: Uncertain significance. Last evaluated: 2024-09-10. Review status: criteria provided, single submitter. Criteria: ACMG Guidelines, 2015. Collection method: clinical testing. Allele origin: germline.

Color Diagnostics, LLC DBA Color Health
Classification: Uncertain significance for Cardiomyopathy. Last evaluated: 2024-05-07. Review status: criteria provided, single submitter. Criteria: ACMG Guidelines, 2015. Collection method: clinical testing. Allele origin: germline.
Comment: This missense variant replaces asparagine with aspartic acid at codon 557 of the PKP2 protein. Computational prediction suggests that this variant may have deleterious impact on protein structure and function (internally defined REVEL score threshold >= 0.7, PMID: 27666373). To our knowledge, functional studies have not been reported for this variant. This variant has been reported in an individual affected with arrhythmogenic right ventricular cardiomyopathy (PMID: 36720007), in another individual suspected of non-ischemic cardiomyopathy after syncope or following the termination of sudden arrhythmic death (PMID: 38254962), and in an individual suspected of having long QT syndrome (PMID: 31737537). This variant has been identified in 10/282566 chromosomes in the general population by the Genome Aggregation Database (gnomAD). The available evidence is insufficient to determine the role of this variant in disease conclusively. Therefore, this variant is classified as a Variant of Uncertain Significance.

Ambry Genetics
Classification: Uncertain significance for Cardiovascular phenotype. Last evaluated: 2024-02-23. Review status: criteria provided, single submitter. Criteria: Ambry Variant Classification Scheme 2023. Collection method: clinical testing. Allele origin: germline.
Comment: The p.N557D variant (also known as c.1669A>G), located in coding exon 7 of the PKP2 gene, results from an A to G substitution at nucleotide position 1669. The asparagine at codon 557 is replaced by aspartic acid, an amino acid with highly similar properties. This alteration has been reported in an arrhythmogenic disorders cohort (Marschall C et al. Cardiovasc Diagn Ther, 2019 Oct;9:S292-S298). This alteration has also been reported in a pediatric cardiomyopathy cohort (Ware SM et al. Am J Hum Genet, 2022 Feb;109:282-298). This amino acid position is highly conserved in available vertebrate species. In addition, the in silico prediction for this alteration is inconclusive. Since supporting evidence is limited at this time, the clinical significance of this alteration remains unclear.

GeneDx
Classification: Uncertain significance. Last evaluated: 2021-01-26. Review status: criteria provided, single submitter. Criteria: GeneDx Variant Classification Process June 2021. Collection method: clinical testing. Allele origin: germline. Affected: yes.
Comment: Reported in association with arrhythmogenic right ventricular cardiomyopathy (ARVC) (Marschall et al., 2019); however, specific clinical information was not provided; Reported in ClinVar as a variant of uncertain significance (ClinVar Variant ID# 201988; Landrum et al., 2016); In silico analysis supports that this missense variant has a deleterious effect on protein structure/function; This variant is associated with the following publications: (PMID: 31737537)

Literature cited by the submitters: PubMed 31737537 (cited by 4 submitters); PubMed 36720007 (cited by 3 submitters); PubMed 38254962 (cited by 3 submitters); PubMed 35026164 (cited by Ambry Genetics).

NM_001005242.3(PKP2):c.1537A>G (p.Asn513Asp)

Gene: PKP2 (plakophilin 2; minus strand). Cytogenetic location: 12p11.21.
Variant type: single nucleotide variant.
Coding change: c.1537A>G on transcript NM_001005242.3 (MANE Select); coding-DNA position 1537, A replaced by G.
Protein change: p.Asn513Asp; replaces asparagine 513 with aspartic acid.
Molecular consequence: missense variant.
Genome position (GRCh38, 1-based): chr12:32,841,047, T>C on the plus strand (A>G on the coding strand, the complement: PKP2 is on the minus strand). VCF-style: chr12-32841047-T-C. GRCh37 (hg19) VCF-style: chr12-32993981-T-C.
Other names: p.N557D:AAC>GAC; c.1669A>G, p.Asn557Asp (NM_004572.4); short protein forms N557D, N513D.
Identifiers: ClinVar variation 201988 (VCV000201988.25), dbSNP rs200343561, ClinGen allele CA011291.